The following is an entry in ClinVar:

NM_017654.4(SAMD9):c.1666C>T (p.Leu556Phe)

Gene: SAMD9 (sterile alpha motif domain containing 9; minus strand). Cytogenetic location: 7q21.2.
Variant type: single nucleotide variant.
Coding change: c.1666C>T on transcript NM_017654.4 (MANE Select); coding-DNA position 1666, C replaced by T.
Protein change: p.Leu556Phe; replaces leucine 556 with phenylalanine.
Molecular consequence: missense variant.
Genome position (GRCh38, 1-based): chr7:93,104,432, G>A on the plus strand (C>T on the coding strand, the complement: SAMD9 is on the minus strand). VCF-style: chr7-93104432-G-A. GRCh37 (hg19) VCF-style: chr7-92733745-G-A.
Other names: c.1666C>T, p.Leu556Phe (NM_001193307.2); short protein forms L556F.
Identifiers: ClinVar variation 4629861 (VCV004629861.1).

ClinVar aggregate classification (germline): Uncertain significance (1 of 4 stars; one submission).

Conditions:
Inborn genetic diseases. Identifiers: MedGen C0950123, MeSH D030342.

Submission:

Ambry Genetics
Classification: Uncertain significance for Inborn genetic diseases. Last evaluated: 2025-10-10. Review status: criteria provided, single submitter. Criteria: Ambry Variant Classification Scheme 2023. Collection method: clinical testing. Allele origin: germline.
Comment: The p.L556F variant (also known as c.1666C>T), located in coding exon 1 of the SAMD9 gene, results from a C to T substitution at nucleotide position 1666. The leucine at codon 556 is replaced by phenylalanine, an amino acid with highly similar properties. This amino acid position is conserved. In addition, this alteration is predicted to be tolerated by in silico analysis. Based on the available evidence, the clinical significance of this variant remains unclear.